The following is an entry in ClinVar:

NC_000015.10:g.(?_42384473)_(42392732_?)del

Gene: CAPN3 (calpain 3; plus strand). Cytogenetic location: 15q15.1.
Variant type: Deletion.
Identifiers: ClinVar variation 832061 (VCV000832061.1).

ClinVar aggregate classification (germline): Pathogenic (1 of 4 stars; one submission).

Conditions:
Autosomal recessive limb-girdle muscular dystrophy type 2A (LGMDR1). Also called: LEYDEN-MOEBIUS MUSCULAR DYSTROPHY; MUSCULAR DYSTROPHY, PELVOFEMORAL; Limb-girdle muscular dystrophy, type 2A; Calpainopathy; Muscular dystrophy, limb-girdle, type 2A, Amish. Identifiers: Orphanet 267, MedGen C1869123, MONDO:0009675, OMIM 253600. Disease mechanism: loss of function.

Submission:

Labcorp Genetics (formerly Invitae), Labcorp
Classification: Pathogenic for Limb-girdle muscular dystrophy, type 2A. Last evaluated: 2019-11-15. Review status: criteria provided, single submitter. Criteria: Invitae Variant Classification Sherloc (09022015). Collection method: clinical testing. Allele origin: germline.
Comment: This variant is an in-frame deletion of the genomic region encompassing exons 2-7 of the CAPN3 gene. It preserves the integrity of the reading frame. This variant has not been reported in the literature in individuals with CAPN3-related conditions. The region of the CAPN3 gene that includes exon(s) 2-6 has been determined to be clinically significant (PMID: 29797799, (08)00478-1/fulltext). Therefore, deletions that encompass that region are likely to disrupt protein function and cause disease. For these reasons, this variant has been classified as Pathogenic.

Literature cited by the submitters: PubMed 29797799.